The following is an entry in ClinVar:

NM_003124.5(SPR):c.502G>A (p.Ala168Thr)

Gene: SPR (sepiapterin reductase; plus strand). Cytogenetic location: 2p13.2.
Variant type: single nucleotide variant.
Coding change: c.502G>A on transcript NM_003124.5 (MANE Select); coding-DNA position 502, G replaced by A.
Protein change: p.Ala168Thr; replaces alanine 168 with threonine.
Molecular consequence: missense variant.
Genome position (GRCh38, 1-based): chr2:72,888,511, G>A. VCF-style: chr2-72888511-G-A. GRCh37 (hg19) VCF-style: chr2-73115640-G-A.
Other names: short protein forms A168T.
Identifiers: ClinVar variation 574755 (VCV000574755.9), dbSNP rs145110113, ClinGen allele CA1708971.

ClinVar aggregate classification (germline): Uncertain significance. Review status: criteria provided, multiple submitters, no conflicts (2 of 4 stars). 2 submissions from 2 submitters: Uncertain significance (2). Last evaluated 2025-09-05.

Conditions:
Inborn genetic diseases. Identifiers: MedGen C0950123, MeSH D030342.
Dystonic disorder. Also called: Dystonia. Identifiers: MedGen C0013421, MONDO:0003441, HP:0001332.

Allele frequency attached by ClinVar (database versions not stated): ESP Exome Variant Server 0.00015; gnomAD exomes 0.00023 and 0.00005; ExAC 0.00004; TOPMed 0.00010; gnomAD 0.00012 and 0.00013.
gnomAD v4.1: 344 of 1,612,404 alleles (0.021%); highest among the groups gnomAD compares: Non-Finnish European, 0.028%; 1 homozygote.

Submissions (2):

Ambry Genetics
Classification: Uncertain significance for Inborn genetic diseases. Last evaluated: 2025-09-05. Review status: criteria provided, single submitter. Criteria: Ambry Variant Classification Scheme 2023. Collection method: clinical testing. Allele origin: germline.

Labcorp Genetics (formerly Invitae), Labcorp
Classification: Uncertain significance for Dystonic disorder. Last evaluated: 2021-09-01. Review status: criteria provided, single submitter. Criteria: Invitae Variant Classification Sherloc (09022015). Collection method: clinical testing. Allele origin: germline.
Comment: This sequence change replaces alanine with threonine at codon 168 of the SPR protein (p.Ala168Thr). The alanine residue is weakly conserved and there is a small physicochemical difference between alanine and threonine. This variant is present in population databases (rs145110113, ExAC 0.008%). This variant has not been reported in the literature in individuals affected with SPR-related conditions. Algorithms developed to predict the effect of missense changes on protein structure and function output the following: SIFT: "Tolerated"; PolyPhen-2: "Benign"; Align-GVGD: "Class C0". The threonine amino acid residue is found in multiple mammalian species, which suggests that this missense change does not adversely affect protein function. In summary, the available evidence is currently insufficient to determine the role of this variant in disease. Therefore, it has been classified as a Variant of Uncertain Significance.